The following is an entry in ClinVar:

ClinVar aggregate classification (germline): Uncertain significance (1 of 4 stars; one submission).

Submission:

Labcorp Genetics (formerly Invitae), Labcorp
Classification: Uncertain significance. Last evaluated: 2025-01-21. Review status: criteria provided, single submitter. Criteria: Invitae Variant Classification Sherloc (09022015). Collection method: clinical testing. Allele origin: germline.
Comment: This sequence change replaces valine, which is neutral and non-polar, with methionine, which is neutral and non-polar, at codon 1541 of the POLE protein (p.Val1541Met). This variant is not present in population databases (gnomAD no frequency). This variant has not been reported in the literature in individuals affected with POLE-related conditions. ClinVar contains an entry for this variant (Variation ID: 2145910). Invitae Evidence Modeling of protein sequence and biophysical properties (such as structural, functional, and spatial information, amino acid conservation, physicochemical variation, residue mobility, and thermodynamic stability) indicates that this missense variant is not expected to disrupt POLE protein function with a negative predictive value of 80%. In summary, the available evidence is currently insufficient to determine the role of this variant in disease. Therefore, it has been classified as a Variant of Uncertain Significance.

NM_006231.4(POLE):c.4621G>A (p.Val1541Met)

Gene: POLE (DNA polymerase epsilon, catalytic subunit; minus strand). Cytogenetic location: 12q24.33.
Variant type: single nucleotide variant.
Coding change: c.4621G>A on transcript NM_006231.4 (MANE Select); coding-DNA position 4621, G replaced by A.
Protein change: p.Val1541Met; replaces valine 1541 with methionine.
Molecular consequence: missense variant.
Genome position (GRCh38, 1-based): chr12:132,642,927, C>T on the plus strand (G>A on the coding strand, the complement: POLE is on the minus strand). VCF-style: chr12-132642927-C-T. GRCh37 (hg19) VCF-style: chr12-133219513-C-T.
Other names: short protein forms V1541M.
Identifiers: ClinVar variation 2145910 (VCV002145910.4), dbSNP rs2138541562, ClinGen allele CA387379137.
Genomic context (GRCh38, chr12:132,642,927, plus strand): 5'-GGTCAGTTTCTGCCCGAACTTCGAAGGTGTGTTTGGGGGGTGGCAGGAGCTCAGGGCCCA[C>T]CTTCTCCAGGAGGAGGCCGTGCTCTGCTGAGTACAGGGCGCCAAGGCTGGGCATCTGGTT-3'
Protein context (NP_006222.2, residues 1531-1551): SAEHGLLLEK[Val1541Met]GPELLPPPKH